The following is an entry in ClinVar:

ClinVar aggregate classification (germline): Likely pathogenic (0 of 4 stars; one submission).

Conditions:
Poirier-Bienvenu neurodevelopmental syndrome (POBINDS). Identifiers: Orphanet 689397, MedGen C5231482, MONDO:0032889, OMIM 618732.

Submission:

Department of Neurology, Children's Hospital of Nanjing Medical University
Classification: Likely pathogenic for Poirier-Bienvenu neurodevelopmental syndrome. Last evaluated: 2022-12-01. Review status: no assertion criteria provided. Collection method: clinical testing. Allele origin: de novo. Inheritance: Autosomal dominant inheritance. Affected: yes. Observed: 1 variant allele, 1 heterozygote.
Comment: The allele frequency in all population databases is less than 0.0005. The variant is located at an amino acid residue previously established as pathogenic [PMID: 31784560]. It is a variant in a gene with a mis_Z score ≥ 3.09 in the gnomAD database. Two statistical methods predict that this variant has an effect on the gene (or gene product).

NM_001320.7(CSNK2B):c.411C>G (p.Cys137Trp)

Gene: CSNK2B (casein kinase 2 beta; plus strand). Cytogenetic location: 6p21.33.
Variant type: single nucleotide variant.
Coding change: c.411C>G on transcript NM_001320.7 (MANE Select); coding-DNA position 411, C replaced by G.
Protein change: p.Cys137Trp; replaces cysteine 137 with tryptophan.
Molecular consequence: missense variant.
Genome position (GRCh38, 1-based): chr6:31,669,362, C>G. VCF-style: chr6-31669362-C-G. GRCh37 (hg19) VCF-style: chr6-31637139-C-G.
Other names: c.402C>G, p.Cys134Trp (NM_001282385.2); short protein forms C134W, C137W.
Identifiers: ClinVar variation 4876689 (VCV004876689.1).